The following is an entry in ClinVar:

ClinVar aggregate classification (germline): Uncertain significance (1 of 4 stars; one submission).

Conditions:
DOCK2 deficiency. Also called: Immunodeficiency 40. Identifiers: Orphanet 447737, MedGen C4225328, MONDO:0014637, OMIM 616433.

Allele frequency attached by ClinVar (database versions not stated): gnomAD exomes below 0.00001 and 0.00001; ExAC 0.00001; gnomAD 0.00001.
gnomAD v4.1: 18 of 1,613,220 alleles (0.0011%); highest among the groups gnomAD compares: African/African-American, 0.0013%; no homozygotes.

Submission:

Labcorp Genetics (formerly Invitae), Labcorp
Classification: Uncertain significance for DOCK2 deficiency. Last evaluated: 2020-11-19. Review status: criteria provided, single submitter. Criteria: Invitae Variant Classification Sherloc (09022015). Collection method: clinical testing. Allele origin: germline.
Comment: In summary, the available evidence is currently insufficient to determine the role of this variant in disease. Therefore, it has been classified as a Variant of Uncertain Significance. Algorithms developed to predict the effect of missense changes on protein structure and function (SIFT, PolyPhen-2, Align-GVGD) all suggest that this variant is likely to be tolerated, but these predictions have not been confirmed by published functional studies and their clinical significance is uncertain. This variant has not been reported in the literature in individuals with DOCK2-related conditions. This variant is present in population databases (rs776606366, ExAC 0.002%). This sequence change replaces arginine with glutamine at codon 1144 of the DOCK2 protein (p.Arg1144Gln). The arginine residue is moderately conserved and there is a small physicochemical difference between arginine and glutamine.

NM_004946.3(DOCK2):c.3431G>A (p.Arg1144Gln)

Gene: DOCK2 (dedicator of cytokinesis 2; plus strand). Cytogenetic location: 5q35.1.
Variant type: single nucleotide variant.
Coding change: c.3431G>A on transcript NM_004946.3 (MANE Select); coding-DNA position 3431, G replaced by A.
Protein change: p.Arg1144Gln; replaces arginine 1144 with glutamine.
Molecular consequence: missense variant. On other transcripts: non-coding transcript variant (1).
Genome position (GRCh38, 1-based): chr5:170,027,912, G>A. VCF-style: chr5-170027912-G-A. GRCh37 (hg19) VCF-style: chr5-169454916-G-A.
Other names: short protein forms R1144Q.
Identifiers: ClinVar variation 1427745 (VCV001427745.8), dbSNP rs776606366, ClinGen allele CA3554205.